The following is an entry in ClinVar:

ClinVar aggregate classification (germline): Uncertain significance (1 of 4 stars; one submission).

gnomAD v4.1: 9 of 1,614,052 alleles (0.00056%); highest among the groups gnomAD compares: Admixed American, 0.0017%; no homozygotes.

Submission:

Labcorp Genetics (formerly Invitae), Labcorp
Classification: Uncertain significance. Last evaluated: 2022-09-10. Review status: criteria provided, single submitter. Criteria: Invitae Variant Classification Sherloc (09022015). Collection method: clinical testing. Allele origin: germline.
Comment: In summary, the available evidence is currently insufficient to determine the role of this variant in disease. Therefore, it has been classified as a Variant of Uncertain Significance. Advanced modeling of protein sequence and biophysical properties (such as structural, functional, and spatial information, amino acid conservation, physicochemical variation, residue mobility, and thermodynamic stability) has been performed at Invitae for this missense variant, however the output from this modeling did not meet the statistical confidence thresholds required to predict the impact of this variant on HK1 protein function. This variant has not been reported in the literature in individuals affected with HK1-related conditions. This variant is present in population databases (no rsID available, gnomAD 0.0009%). This sequence change replaces tryptophan, which is neutral and slightly polar, with serine, which is neutral and polar, at codon 709 of the HK1 protein (p.Trp709Ser).

NM_000188.3(HK1):c.2126G>C (p.Trp709Ser)

Gene: HK1 (hexokinase 1; plus strand). Cytogenetic location: 10q22.1.
Variant type: single nucleotide variant.
Coding change: c.2126G>C on transcript NM_000188.3 (MANE Select); coding-DNA position 2126, G replaced by C.
Protein change: p.Trp709Ser; replaces tryptophan 709 with serine.
Molecular consequence: missense variant.
Genome position (GRCh38, 1-based): chr10:69,392,215, G>C. VCF-style: chr10-69392215-G-C. GRCh37 (hg19) VCF-style: chr10-71151971-G-C.
Other names: c.2138G>C, p.Trp713Ser (NM_001322364.2, NM_001358263.1, NM_033497.3 and 1 more transcripts); c.2231G>C, p.Trp744Ser (NM_001322365.2); c.2042G>C, p.Trp681Ser (NM_001322366.1); c.2030G>C, p.Trp677Ser (NM_001322367.1); c.2123G>C, p.Trp708Ser (NM_033496.3); c.2090G>C, p.Trp697Ser (NM_033500.2); short protein forms W681S, W708S, W713S, W744S, W677S, W697S, W709S.
Identifiers: ClinVar variation 1937257 (VCV001937257.5), dbSNP rs776649544, ClinGen allele CA376914736.